The following is an entry in ClinVar:

ClinVar aggregate classification (germline): Conflicting classifications of pathogenicity. Review status: criteria provided, conflicting classifications (1 of 4 stars). 2 submissions from 2 submitters: Uncertain significance (1); Benign (1). Last evaluated 2026-07-27.

Conditions:
Rubinstein-Taybi syndrome due to EP300 haploinsufficiency. Also called: EP300-Related Rubinstein-Taybi Syndrome; RUBINSTEIN-TAYBI SYNDROME 2. Identifiers: Orphanet 353284, Orphanet 783, MedGen C3150941, MONDO:0013364, OMIM 613684.
EP300-related disorder. Also called: EP300-related condition; EP300-related disorders.

Allele frequency attached by ClinVar (database versions not stated): gnomAD exomes below 0.00001; TOPMed below 0.00001; gnomAD 0.00001.
gnomAD v4.1: 2 of 1,613,996 alleles (0.00012%); highest among the groups gnomAD compares: East Asian, 0.0022%; no homozygotes.

Submissions (2):

PreventionGenetics, part of Exact Sciences
Classification: Uncertain significance for EP300-related condition. Last evaluated: 2026-07-27. Review status: criteria provided, single submitter. Criteria: ACMG Guidelines, 2015. Collection method: clinical testing. Allele origin: germline.
Comment: The EP300 c.2915C>T variant is predicted to result in the amino acid substitution p.Pro972Leu. To our knowledge, this variant has not been reported in the literature. This variant is reported in 0.0054% of alleles in individuals of East Asian descent in gnomAD. At this time, the clinical significance of this variant is uncertain due to the absence of conclusive functional and genetic evidence.

Labcorp Genetics (formerly Invitae), Labcorp
Classification: Benign for Rubinstein-Taybi syndrome due to EP300 haploinsufficiency. Last evaluated: 2024-11-11. Review status: criteria provided, single submitter. Criteria: Invitae Variant Classification Sherloc (09022015). Collection method: clinical testing. Allele origin: germline.

NM_001429.4(EP300):c.2915C>T (p.Pro972Leu)

Genes: EP300 (EP300 lysine acetyltransferase; plus strand), LOC126863158 (BRD4-independent group 4 enhancer GRCh37_chr22:41547383-41548582; plus strand). Cytogenetic location: 22q13.2.
Variant type: single nucleotide variant.
Coding change: c.2915C>T on transcript NM_001429.4 (MANE Select); coding-DNA position 2915, C replaced by T.
Protein change: p.Pro972Leu; replaces proline 972 with leucine.
Molecular consequence: missense variant.
Genome position (GRCh38, 1-based): chr22:41,151,930, C>T. VCF-style: chr22-41151930-C-T. GRCh37 (hg19) VCF-style: chr22-41547934-C-T.
Other names: c.2837C>T, p.Pro946Leu (NM_001362843.2); c.2915C>T (NM_001429.3); short protein forms P946L, P972L.
Identifiers: ClinVar variation 2188434 (VCV002188434.5), dbSNP rs1375484182, ClinGen allele CA411692954.